The following is an entry in ClinVar:

NM_153240.5(NPHP3):c.1515A>G (p.Gly505=)

Genes: NPHP3 (nephrocystin 3; minus strand), NPHP3-ACAD11 (NPHP3-ACAD11 readthrough (NMD candidate); minus strand). Cytogenetic location: 3q22.1.
Variant type: single nucleotide variant.
Coding change: c.1515A>G on transcript NM_153240.5 (MANE Select); coding-DNA position 1515, A replaced by G.
Protein change: p.Gly505=; no amino-acid change (glycine 505 retained).
Molecular consequence: synonymous variant. On other transcripts: non-coding transcript variant (1).
Genome position (GRCh38, 1-based): chr3:132,704,207, T>C on the plus strand (A>G on the coding strand, the complement: NPHP3 is on the minus strand). VCF-style: chr3-132704207-T-C. GRCh37 (hg19) VCF-style: chr3-132423051-T-C.
Other names: c.1515A>G (NM_153240.4).
Identifiers: ClinVar variation 1135966 (VCV001135966.10), dbSNP rs1411856886, ClinGen allele CA435798380.

ClinVar aggregate classification (germline): Likely benign. Review status: criteria provided, multiple submitters, no conflicts (2 of 4 stars). 2 submissions from 2 submitters: Likely benign (2). Last evaluated 2026-01-09.

Conditions:
NPHP3-related disorder. Also called: NPHP3-related disorders; NPHP3-related condition. Identifiers: MedGen CN379163.
Nephronophthisis. Also called: Juvenile Nephronophthisis. Identifiers: Orphanet 655, MedGen C0687120, MONDO:0019005, HP:0000090.

Allele frequency attached by ClinVar (database versions not stated): gnomAD exomes below 0.00001; TOPMed 0.00001.
gnomAD v4.1: 4 of 1,614,176 alleles (0.00025%); highest among the groups gnomAD compares: Non-Finnish European, 0.000085%; no homozygotes.

Submissions (2):

Labcorp Genetics (formerly Invitae), Labcorp
Classification: Likely benign for Nephronophthisis. Last evaluated: 2026-01-09. Review status: criteria provided, single submitter. Criteria: Invitae Variant Classification Sherloc (09022015). Collection method: clinical testing. Allele origin: germline.

PreventionGenetics, part of Exact Sciences
Classification: Likely benign for NPHP3-related condition. Last evaluated: 2025-07-06. Review status: criteria provided, single submitter. Criteria: ACMG Guidelines, 2015. Collection method: clinical testing. Allele origin: germline.
Comment: This variant is classified as likely benign based on ACMG/AMP sequence variant interpretation guidelines (Richards et al. 2015 PMID: 25741868, with internal and published modifications).